The following is an entry in ClinVar:

ClinVar aggregate classification (germline): Pathogenic (1 of 4 stars; one submission).

Conditions:
Tuberous sclerosis 1 (TSC1). Identifiers: Orphanet 805, MedGen C1854465, MONDO:0008612, OMIM 191100.

Submission:

Labcorp Genetics (formerly Invitae), Labcorp
Classification: Pathogenic for Tuberous sclerosis 1. Last evaluated: 2020-06-06. Review status: criteria provided, single submitter. Criteria: Invitae Variant Classification Sherloc (09022015). Collection method: clinical testing. Allele origin: germline.
Comment: This sequence change creates a premature translational stop signal (p.Val135Glyfs*19) in the TSC1 gene. It is expected to result in an absent or disrupted protein product. This variant is not present in population databases (ExAC no frequency). This variant has not been reported in the literature in individuals with TSC1-related conditions. Loss-of-function variants in TSC1 are known to be pathogenic (PMID: 10227394, 17304050). For these reasons, this variant has been classified as Pathogenic.

Literature cited by the submitters: PubMed 10227394; PubMed 17304050.

NM_000368.5(TSC1):c.398dup (p.Val135fs)

Gene: TSC1 (TSC complex subunit 1; minus strand). Cytogenetic location: 9q34.13.
Variant type: Duplication.
Coding change: c.398dup on transcript NM_000368.5 (MANE Select); coding-DNA position 398, one base duplicated (T; older notation c.398dupT).
Protein change: p.Val135fs; shifts the reading frame from valine 135.
Molecular consequence: frameshift variant.
Genome position (GRCh38, 1-based): chr9:132,923,458, A duplicated on the plus strand (T on the coding strand, the reverse complement: TSC1 is on the minus strand). VCF-style (leftmost placement, unchanged base first): chr9-132923457-G-GA. GRCh37 (hg19) VCF-style: chr9-135798844-G-GA.
Other names: c.398dup, p.Val135fs (NM_001162426.2); c.245dup, p.Val84fs (NM_001162427.2); c.35dup, p.Val14fs (NM_001362177.2); short protein forms V135fs, V14fs, V84fs.
Identifiers: ClinVar variation 1068699 (VCV001068699.7), dbSNP rs2132191990, ClinGen allele CA2499219736.